The following is an entry in ClinVar:

ClinVar aggregate classification (germline): Uncertain significance. Review status: criteria provided, multiple submitters, no conflicts (2 of 4 stars). 3 submissions from 3 submitters: Uncertain significance (3). Last evaluated 2025-10-01.

Conditions:
Inborn genetic diseases. Identifiers: MedGen C0950123, MeSH D030342.
Hyperekplexia 3 (HKPX3). Also called: HYPEREKPLEXIA 3, AUTOSOMAL RECESSIVE; HYPEREKPLEXIA 3, AUTOSOMAL DOMINANT. Identifiers: Orphanet 3197, MedGen C3553288, MONDO:0013827, OMIM 614618.

Allele frequency attached by ClinVar (database versions not stated): ExAC 0.00001; gnomAD 0.00001; gnomAD exomes 0.00001; TOPMed 0.00002.
gnomAD v4.1: 18 of 1,613,984 alleles (0.0011%); highest among the groups gnomAD compares: Middle Eastern, 0.033%; no homozygotes.

Submissions (3):

Ambry Genetics
Classification: Uncertain significance for Inborn genetic diseases. Last evaluated: 2025-10-01. Review status: criteria provided, single submitter. Criteria: Ambry Variant Classification Scheme 2023. Collection method: clinical testing. Allele origin: germline.

Blueprint Genetics
Classification: Uncertain significance. Last evaluated: 2021-09-22. Review status: criteria provided, single submitter. Criteria: ACMG Guidelines, 2015. Collection method: clinical testing. Allele origin: germline.

Labcorp Genetics (formerly Invitae), Labcorp
Classification: Uncertain significance for Hyperekplexia 3. Last evaluated: 2021-09-02. Review status: criteria provided, single submitter. Criteria: Invitae Variant Classification Sherloc (09022015). Collection method: clinical testing. Allele origin: germline.
Comment: This sequence change replaces arginine with histidine at codon 766 of the SLC6A5 protein (p.Arg766His). The arginine residue is highly conserved and there is a small physicochemical difference between arginine and histidine. This variant is present in population databases (rs767356503, ExAC 0.01%). This variant has not been reported in the literature in individuals affected with SLC6A5-related conditions. ClinVar contains an entry for this variant (Variation ID: 304039). Advanced modeling of protein sequence and biophysical properties (such as structural, functional, and spatial information, amino acid conservation, physicochemical variation, residue mobility, and thermodynamic stability) performed at Invitae indicates that this missense variant is not expected to disrupt SLC6A5 protein function. In summary, the available evidence is currently insufficient to determine the role of this variant in disease. Therefore, it has been classified as a Variant of Uncertain Significance.

NM_004211.5(SLC6A5):c.2297G>A (p.Arg766His)

Gene: SLC6A5 (solute carrier family 6 member 5; plus strand). Cytogenetic location: 11p15.1.
Variant type: single nucleotide variant.
Coding change: c.2297G>A on transcript NM_004211.5 (MANE Select); coding-DNA position 2297, G replaced by A.
Protein change: p.Arg766His; replaces arginine 766 with histidine.
Molecular consequence: missense variant.
Genome position (GRCh38, 1-based): chr11:20,654,771, G>A. VCF-style: chr11-20654771-G-A. GRCh37 (hg19) VCF-style: chr11-20676317-G-A.
Other names: c.1595G>A, p.Arg532His (NM_001318369.2); short protein forms R766H, R532H.
Identifiers: ClinVar variation 304039 (VCV000304039.13), dbSNP rs767356503, ClinGen allele CA5921761.